The following is an entry in ClinVar:

NM_024753.5(TTC21B):c.796-3T>C

Gene: TTC21B (tetratricopeptide repeat domain 21B; minus strand). Cytogenetic location: 2q24.3.
Variant type: single nucleotide variant.
Coding change: c.796-3T>C on transcript NM_024753.5 (MANE Select); 3 bases into the intron before coding-DNA position 796, T replaced by C.
Molecular consequence: intron variant.
Genome position (GRCh38, 1-based): chr2:165,931,859, A>G on the plus strand (T>C on the coding strand, the complement: TTC21B is on the minus strand). VCF-style: chr2-165931859-A-G. GRCh37 (hg19) VCF-style: chr2-166788369-A-G.
Identifiers: ClinVar variation 198911 (VCV000198911.9), dbSNP rs794727932, ClinGen allele CA247814.

ClinVar aggregate classification (germline): Uncertain significance. Review status: criteria provided, multiple submitters, no conflicts (2 of 4 stars). 2 submissions from 2 submitters: Uncertain significance (2). Last evaluated 2025-07-31.

Conditions:
Nephronophthisis. Also called: Juvenile Nephronophthisis. Identifiers: Orphanet 655, MedGen C0687120, MONDO:0019005, HP:0000090.
Jeune thoracic dystrophy. Also called: Short-rib thoracic dysplasia; Jeune syndrome; Infantile thoracic dystrophy; Thoracic pelvic phalangeal dystrophy; Jeune's syndrome; Chondroectodermal dysplasia-like syndrome. Identifiers: Orphanet 474, MedGen C0265275, MONDO:0018770.

Allele frequency attached by ClinVar (database versions not stated): gnomAD exomes below 0.00001; gnomAD 0.00003 and 0.00004; TOPMed 0.00003.
gnomAD v4.1: 10 of 1,598,812 alleles (0.00063%); highest among the groups gnomAD compares: African/African-American, 0.011%; no homozygotes.

Submissions (2):

Labcorp Genetics (formerly Invitae), Labcorp
Classification: Uncertain significance for Jeune thoracic dystrophy; Nephronophthisis. Last evaluated: 2025-07-31. Review status: criteria provided, single submitter. Criteria: Invitae Variant Classification Sherloc (09022015). Collection method: clinical testing. Allele origin: germline.
Comment: This sequence change falls in intron 7 of the TTC21B gene. It does not directly change the encoded amino acid sequence of the TTC21B protein. It affects a nucleotide within the consensus splice site. This variant is present in population databases (rs794727932, gnomAD 0.01%). This variant has not been reported in the literature in individuals affected with TTC21B-related conditions. ClinVar contains an entry for this variant (Variation ID: 198911). Variants that disrupt the consensus splice site are a relatively common cause of aberrant splicing (PMID: 17576681, 9536098). Algorithms developed to predict the effect of sequence changes on RNA splicing suggest that this variant is not likely to affect RNA splicing. In summary, the available evidence is currently insufficient to determine the role of this variant in disease. Therefore, it has been classified as a Variant of Uncertain Significance.

Eurofins Ntd Llc (ga)
Classification: Uncertain significance. Last evaluated: 2015-01-30. Review status: criteria provided, single submitter. Criteria: EGL Classification Definitions 2015. Collection method: clinical testing. Allele origin: germline. Observed: 1 variant allele, 1 heterozygote.

Literature cited by the submitters: PubMed 17576681 (cited by Labcorp Genetics (formerly Invitae), Labcorp); PubMed 9536098 (cited by Labcorp Genetics (formerly Invitae), Labcorp).